The following is an entry in ClinVar:

NM_000094.4(COL7A1):c.952G>A (p.Ala318Thr)

Gene: COL7A1 (collagen type VII alpha 1 chain; minus strand). Cytogenetic location: 3p21.31.
Variant type: single nucleotide variant.
Coding change: c.952G>A on transcript NM_000094.4 (MANE Select); coding-DNA position 952, G replaced by A.
Protein change: p.Ala318Thr; replaces alanine 318 with threonine.
Molecular consequence: missense variant.
Genome position (GRCh38, 1-based): chr3:48,592,594, C>T on the plus strand (G>A on the coding strand, the complement: COL7A1 is on the minus strand). VCF-style: chr3-48592594-C-T. GRCh37 (hg19) VCF-style: chr3-48630027-C-T.
Other names: short protein forms A318T.
Identifiers: ClinVar variation 3681437 (VCV003681437.2).

ClinVar aggregate classification (germline): Uncertain significance (1 of 4 stars; one submission).

gnomAD v4.1: 2 of 1,614,052 alleles (0.00012%); highest among the groups gnomAD compares: Non-Finnish European, 0.00017%; no homozygotes.

Submission:

Labcorp Genetics (formerly Invitae), Labcorp
Classification: Uncertain significance. Last evaluated: 2024-06-13. Review status: criteria provided, single submitter. Criteria: Invitae Variant Classification Sherloc (09022015). Collection method: clinical testing. Allele origin: germline.
Comment: This sequence change replaces alanine, which is neutral and non-polar, with threonine, which is neutral and polar, at codon 318 of the COL7A1 protein (p.Ala318Thr). This variant is not present in population databases (gnomAD no frequency). This variant has not been reported in the literature in individuals affected with COL7A1-related conditions. Advanced modeling of protein sequence and biophysical properties (such as structural, functional, and spatial information, amino acid conservation, physicochemical variation, residue mobility, and thermodynamic stability) performed at Invitae indicates that this missense variant is not expected to disrupt COL7A1 protein function with a negative predictive value of 95%. In summary, the available evidence is currently insufficient to determine the role of this variant in disease. Therefore, it has been classified as a Variant of Uncertain Significance.